The following is an entry in ClinVar:

ClinVar aggregate classification (germline): Likely benign (0 of 4 stars; one submission).

Conditions:
HNRNPA1-related disorder. Also called: HNRNPA1-related condition.

Allele frequency attached by ClinVar (database versions not stated): TOPMed 0.00001; gnomAD 0.00002.

Submission:

PreventionGenetics, part of Exact Sciences
Classification: Likely benign for HNRNPA1-related condition. Last evaluated: 2022-02-04. Review status: no assertion criteria provided. Collection method: clinical testing. Allele origin: germline.
Comment: This variant is classified as likely benign based on ACMG/AMP sequence variant interpretation guidelines (Richards et al. 2015 PMID: 25741868, with internal and published modifications).

NM_031157.4(HNRNPA1):c.846C>T (p.Gly282=)

Gene: HNRNPA1 (heterogeneous nuclear ribonucleoprotein A1; plus strand). Cytogenetic location: 12q13.13.
Variant type: single nucleotide variant.
Coding change: c.846C>T on transcript NM_031157.4 (MANE Select); coding-DNA position 846, C replaced by T.
Protein change: p.Gly282=; no amino-acid change (glycine 282 retained).
Molecular consequence: synonymous variant. On other transcripts: intron variant (1).
Genome position (GRCh38, 1-based): chr12:54,283,173, C>T. VCF-style: chr12-54283173-C-T. GRCh37 (hg19) VCF-style: chr12-54676957-C-T.
Other names: c.751+299C>T (NM_002136.4).
Identifiers: ClinVar variation 3030729 (VCV003030729.2), dbSNP rs931122932, ClinGen allele CA237449416.